The following is an entry in ClinVar:

NM_182914.3(SYNE2):c.17630G>A (p.Arg5877Gln)

Gene: SYNE2 (spectrin repeat containing nuclear envelope protein 2; plus strand). Cytogenetic location: 14q23.2.
Variant type: single nucleotide variant.
Coding change: c.17630G>A on transcript NM_182914.3 (MANE Select); coding-DNA position 17630, G replaced by A.
Protein change: p.Arg5877Gln; replaces arginine 5877 with glutamine.
Molecular consequence: missense variant.
Genome position (GRCh38, 1-based): chr14:64,186,497, G>A. VCF-style: chr14-64186497-G-A. GRCh37 (hg19) VCF-style: chr14-64653215-G-A.
Other names: c.17630G>A, p.Arg5877Gln (NM_015180.6); short protein forms R5877Q.
Identifiers: ClinVar variation 1058663 (VCV001058663.7), dbSNP rs746459100, ClinGen allele CA7223775.

ClinVar aggregate classification (germline): Uncertain significance (1 of 4 stars; one submission).

Conditions:
Emery-Dreifuss muscular dystrophy 5, autosomal dominant (EDMD5). Also called: EMERY-DREIFUSS MUSCULAR DYSTROPHY 5. Identifiers: Orphanet 261, MedGen C2751805, MONDO:0013072, OMIM 612999.

Allele frequency attached by ClinVar (database versions not stated): ExAC 0.00001; gnomAD exomes 0.00001 and 0.00003; TOPMed 0.00007; gnomAD 0.00008.
gnomAD v4.1: 31 of 1,614,082 alleles (0.0019%); highest among the groups gnomAD compares: African/African-American, 0.025%; 1 homozygote.

Submission:

Labcorp Genetics (formerly Invitae), Labcorp
Classification: Uncertain significance for Emery-Dreifuss muscular dystrophy 5, autosomal dominant. Last evaluated: 2025-10-21. Review status: criteria provided, single submitter. Criteria: Invitae Variant Classification Sherloc (09022015). Collection method: clinical testing. Allele origin: germline.
Comment: This sequence change replaces arginine, which is basic and polar, with glutamine, which is neutral and polar, at codon 5877 of the SYNE2 protein (p.Arg5877Gln). This variant is present in population databases (rs746459100, gnomAD 0.02%). This variant has not been reported in the literature in individuals affected with SYNE2-related conditions. ClinVar contains an entry for this variant (Variation ID: 1058663). An algorithm developed to predict the effect of missense changes on protein structure and function outputs the following: PolyPhen-2: "Benign". The glutamine amino acid residue is found in multiple mammalian species, which suggests that this missense change does not adversely affect protein function. In summary, the available evidence is currently insufficient to determine the role of this variant in disease. Therefore, it has been classified as a Variant of Uncertain Significance.